The following is an entry in ClinVar:

ClinVar aggregate classification (germline): Uncertain significance (1 of 4 stars; one submission).

Conditions:
Breast-ovarian cancer, familial, susceptibility to, 1 (BROVCA1). Also called: BRCA1 Hereditary Breast and Ovarian Cancer; OVARIAN CANCER, SUSCEPTIBILITY TO. Identifiers: Orphanet 145, MedGen C2676676, MONDO:0011450, OMIM 604370. Disease mechanism: loss of function.

Submission:

All of Us Research Program, National Institutes of Health
Classification: Uncertain significance for Breast-ovarian cancer, familial, susceptibility to, 1. Last evaluated: 2023-05-30. Review status: criteria provided, single submitter. Criteria: ACMG Guidelines, 2015. Collection method: clinical testing. Allele origin: germline. Inheritance: Autosomal dominant inheritance. Observed: 1 variant allele, 1 heterozygote.
Comment: This missense variant replaces glutamic acid with glycine at codon 255 of the BRCA1 protein. Computational prediction is inconclusive regarding the impact of this variant on protein structure and function (internally defined REVEL score threshold 0.5 < inconclusive < 0.7, PMID: 27666373). To our knowledge, functional studies have not been reported for this variant. This variant has not been reported in individuals affected with hereditary cancer in the literature. This variant has not been identified in the general population by the Genome Aggregation Database (gnomAD). The available evidence is insufficient to determine the role of this variant in disease conclusively. Therefore, this variant is classified as a Variant of Uncertain Significance.

This study involves interpretation of variants in research participants for the purpose of population health screening. Participant phenotype was not available at the time of variant classification. Additional details can be found in publication PMID: 35346344, PMCID: PMC8962531

NM_007294.4(BRCA1):c.764A>G (p.Glu255Gly)

Gene: BRCA1 (BRCA1 DNA repair associated; minus strand). Cytogenetic location: 17q21.31.
Variant type: single nucleotide variant.
Coding change: c.764A>G on transcript NM_007294.4 (MANE Select); coding-DNA position 764, A replaced by G.
Protein change: p.Glu255Gly; replaces glutamic acid 255 with glycine.
Molecular consequence: missense variant. On other transcripts: intron variant (13), 5 prime UTR variant (2).
Genome position (GRCh38, 1-based): chr17:43,094,767, T>C on the plus strand (A>G on the coding strand, the complement: BRCA1 is on the minus strand). VCF-style: chr17-43094767-T-C. GRCh37 (hg19) VCF-style: chr17-41246784-T-C.
Other names: c.497A>G, p.Glu166Gly (NM_001408504.1, NM_001408505.1, NM_001408503.1 and 5 more transcripts); c.428A>G, p.Glu143Gly (NM_001408508.1, NM_001408509.1, NM_001407954.1 and 3 more transcripts); c.383A>G, p.Glu128Gly (NM_001408510.1, NM_001407959.1, NM_001407960.1 and 1 more transcripts); c.260A>G, p.Glu87Gly (NM_001408512.1, NM_001407965.1); c.554A>G, p.Glu185Gly (NM_001408513.1, NM_001408514.1, NM_001407900.1 and 25 more transcripts); c.623A>G, p.Glu208Gly (NM_007297.4, NM_001407692.1, NM_001407729.1 and 43 more transcripts); c.764A>G, p.Glu255Gly (NM_007298.4, NM_007299.4, NM_007300.4 and 54 more transcripts); c.460+1079A>G (NM_001408506.1, NM_001408507.1); and 20 more; short protein forms E127G, E128G, E143G, E144G, E166G, E167G, E184G, E185G.
Identifiers: ClinVar variation 3069238 (VCV003069238.1), dbSNP rs2154493683, ClinGen allele CA10600556.